The following is an entry in ClinVar:

NM_021831.6(AGBL5):c.2490-3C>T

Gene: AGBL5 (AGBL carboxypeptidase 5; plus strand). Cytogenetic location: 2p23.3.
Variant type: single nucleotide variant.
Coding change: c.2490-3C>T on transcript NM_021831.6 (MANE Select); 3 bases into the intron before coding-DNA position 2490, C replaced by T.
Molecular consequence: intron variant.
Genome position (GRCh38, 1-based): chr2:27,070,089, C>T. VCF-style: chr2-27070089-C-T. GRCh37 (hg19) VCF-style: chr2-27292957-C-T.
Identifiers: ClinVar variation 2039902 (VCV002039902.4), dbSNP rs750561695, ClinGen allele CA531762909.

ClinVar aggregate classification (germline): Uncertain significance (1 of 4 stars; one submission).

Allele frequency attached by ClinVar (database versions not stated): gnomAD 0.00001.

Submission:

Labcorp Genetics (formerly Invitae), Labcorp
Classification: Uncertain significance. Last evaluated: 2021-12-11. Review status: criteria provided, single submitter. Criteria: Invitae Variant Classification Sherloc (09022015). Collection method: clinical testing. Allele origin: germline.
Comment: In summary, the available evidence is currently insufficient to determine the role of this variant in disease. Therefore, it has been classified as a Variant of Uncertain Significance. Variants that disrupt the consensus splice site are a relatively common cause of aberrant splicing (PMID: 17576681, 9536098). Algorithms developed to predict the effect of sequence changes on RNA splicing suggest that this variant is not likely to affect RNA splicing. This variant has not been reported in the literature in individuals affected with AGBL5-related conditions. This variant is present in population databases (no rsID available, gnomAD 0.01%). This sequence change falls in intron 14 of the AGBL5 gene. It does not directly change the encoded amino acid sequence of the AGBL5 protein. It affects a nucleotide within the consensus splice site.

Literature cited by the submitters: PubMed 17576681; PubMed 9536098.